The following is an entry in ClinVar:

ClinVar aggregate classification (germline): Uncertain significance. Review status: criteria provided, multiple submitters, no conflicts (2 of 4 stars). 2 submissions from 2 submitters: Uncertain significance (2). Last evaluated 2024-12-06.

Conditions:
SETD5-related disorder. Also called: SETD5-related disorders; SETD5-related condition.

Allele frequency attached by ClinVar (database versions not stated): gnomAD exomes below 0.00001; TOPMed 0.00001.
gnomAD v4.1: 1 of 1,613,984 alleles (0.000062%); highest among the groups gnomAD compares: African/African-American, 0.0013%; no homozygotes.

Submissions (2):

PreventionGenetics, part of Exact Sciences
Classification: Uncertain significance for SETD5-related condition. Last evaluated: 2024-12-06. Review status: criteria provided, single submitter. Criteria: ACMG Guidelines, 2015. Collection method: clinical testing. Allele origin: germline.
Comment: The SETD5 c.3265T>A variant is predicted to result in the amino acid substitution p.Ser1089Thr. To our knowledge, this variant has not been reported in the literature or in a large population database (gnomAD), indicating this variant is rare. At this time, the clinical significance of this variant is uncertain due to the absence of conclusive functional and genetic evidence.

Labcorp Genetics (formerly Invitae), Labcorp
Classification: Uncertain significance. Last evaluated: 2023-09-28. Review status: criteria provided, single submitter. Criteria: Invitae Variant Classification Sherloc (09022015). Collection method: clinical testing. Allele origin: germline.
Comment: This sequence change replaces serine, which is neutral and polar, with threonine, which is neutral and polar, at codon 1089 of the SETD5 protein (p.Ser1089Thr). This variant is not present in population databases (gnomAD no frequency). This variant has not been reported in the literature in individuals affected with SETD5-related conditions. Advanced modeling of protein sequence and biophysical properties (such as structural, functional, and spatial information, amino acid conservation, physicochemical variation, residue mobility, and thermodynamic stability) performed at Invitae indicates that this missense variant is not expected to disrupt SETD5 protein function. In summary, the available evidence is currently insufficient to determine the role of this variant in disease. Therefore, it has been classified as a Variant of Uncertain Significance.

NM_001080517.3(SETD5):c.3265T>A (p.Ser1089Thr)

Gene: SETD5 (SET domain containing 5; plus strand). Cytogenetic location: 3p25.3.
Variant type: single nucleotide variant.
Coding change: c.3265T>A on transcript NM_001080517.3 (MANE Select); coding-DNA position 3265, T replaced by A.
Protein change: p.Ser1089Thr; replaces serine 1089 with threonine.
Molecular consequence: missense variant.
Genome position (GRCh38, 1-based): chr3:9,473,305, T>A. VCF-style: chr3-9473305-T-A. GRCh37 (hg19) VCF-style: chr3-9514989-T-A.
Other names: c.2971T>A, p.Ser991Thr (NM_001292043.2, NM_001349451.2); c.3265T>A (NM_001080517.2); short protein forms S991T, S1089T.
Identifiers: ClinVar variation 2801322 (VCV002801322.4), dbSNP rs1204827533, ClinGen allele CA351685180.